The following is an entry in ClinVar:

ClinVar aggregate classification (germline): Likely benign (0 of 4 stars; one submission).

Conditions:
PHF11-related disorder. Also called: PHF11-related condition.

Submission:

PreventionGenetics, part of Exact Sciences
Classification: Likely benign for PHF11-related condition. Last evaluated: 2019-08-13. Review status: no assertion criteria provided. Collection method: clinical testing. Allele origin: germline.
Comment: This variant is classified as likely benign based on ACMG/AMP sequence variant interpretation guidelines (Richards et al. 2015 PMID: 25741868, with internal and published modifications).

NM_001040443.3(PHF11):c.459-26_459-2dup

Genes: PHF11 (PHD finger protein 11; plus strand), SETDB2-PHF11 (SETDB2-PHF11 readthrough; plus strand). Cytogenetic location: 13q14.2.
Variant type: Duplication.
Coding change: c.459-26_459-2dup on transcript NM_001040443.3 (MANE Select); 26 bases into the intron before coding-DNA position 459 through the canonical splice acceptor site of the intron before coding-DNA position 459, 25 bases duplicated (CAATTCTTTGAAATTAAATATTTCA).
Molecular consequence: splice acceptor variant.
Genome position (GRCh38, 1-based): chr13:49,520,868-49,520,892, CAATTCTTTGAAATTAAATATTTCA duplicated; duplicating any 25 consecutive bases within chr13:49,520,867-49,520,892 gives the same sequence; the c. name uses the placement nearest the transcript's 3' end. VCF-style (leftmost placement, unchanged base first): chr13-49520866-T-TACAATTCTTTGAAATTAAATATTTC. GRCh37 (hg19) VCF-style: chr13-50095002-T-TACAATTCTTTGAAATTAAATATTTC.
Other names: c.1941-26_1941-2dup (NM_001320727.2); c.342-26_342-2dup (NM_001419874.1, NM_001419876.1, NM_001419873.1 and 2 more transcripts).
Identifiers: ClinVar variation 3052776 (VCV003052776.2), dbSNP rs535949770, ClinGen allele CA6982316.
Genomic context (GRCh38, chr13:49,520,866, plus strand): 5'-TGGTACGTTTTTAATCACAAAAATAGACATAATATTTGAAACCTGTAAATAAAAATATTT[T>TACAATTCTTTGAAATTAAATATTTC]ACAATTCTTTGAAATTAAATATTTCAGACTGCTTTGCCAGCAACATGCTCAATTCCCGAT-3'